The following is an entry in ClinVar:

ClinVar aggregate classification (germline): Uncertain significance. Review status: criteria provided, multiple submitters, no conflicts (2 of 4 stars). 2 submissions from 2 submitters: Uncertain significance (2). Last evaluated 2025-04-14.

Conditions:
Inborn genetic diseases. Identifiers: MedGen C0950123, MeSH D030342.
Hereditary spastic paraplegia 31. Also called: SPASTIC PARAPLEGIA 31, AUTOSOMAL DOMINANT. Identifiers: Orphanet 101011, MedGen C1853247, MONDO:0012453, OMIM 610250.

Allele frequency attached by ClinVar (database versions not stated): TOPMed 0.00001.

Submissions (2):

Labcorp Genetics (formerly Invitae), Labcorp
Classification: Uncertain significance for Hereditary spastic paraplegia 31. Last evaluated: 2025-04-14. Review status: criteria provided, single submitter. Criteria: Invitae Variant Classification Sherloc (09022015). Collection method: clinical testing. Allele origin: germline.
Comment: This sequence change replaces alanine, which is neutral and non-polar, with threonine, which is neutral and polar, at codon 195 of the REEP1 protein (p.Ala195Thr). This variant is present in population databases (rs757800031, gnomAD 0.005%). This variant has not been reported in the literature in individuals affected with REEP1-related conditions. ClinVar contains an entry for this variant (Variation ID: 1015146). An algorithm developed to predict the effect of missense changes on protein structure and function (PolyPhen-2) suggests that this variant is likely to be disruptive. In summary, the available evidence is currently insufficient to determine the role of this variant in disease. Therefore, it has been classified as a Variant of Uncertain Significance.

Ambry Genetics
Classification: Uncertain significance for Inborn genetic diseases. Last evaluated: 2024-08-01. Review status: criteria provided, single submitter. Criteria: Ambry Variant Classification Scheme 2023. Collection method: clinical testing. Allele origin: germline.

NM_001371279.1(REEP1):c.583G>A (p.Ala195Thr)

Gene: REEP1 (receptor accessory protein 1; minus strand). Cytogenetic location: 2p11.2.
Variant type: single nucleotide variant.
Coding change: c.583G>A on transcript NM_001371279.1 (MANE Select); coding-DNA position 583, G replaced by A.
Protein change: p.Ala195Thr; replaces alanine 195 with threonine.
Molecular consequence: missense variant. On other transcripts: synonymous variant (1), intron variant (1).
Genome position (GRCh38, 1-based): chr2:86,232,637, C>T on the plus strand (G>A on the coding strand, the complement: REEP1 is on the minus strand). VCF-style: chr2-86232637-C-T. GRCh37 (hg19) VCF-style: chr2-86459760-C-T.
Other names: c.604G>A, p.Ala202Thr (NM_001164730.2); c.502G>A, p.Ala168Thr (NM_001164731.2); c.348G>A, p.Ala116= (NM_001164732.2); c.583G>A, p.Ala195Thr (NM_022912.3); c.418-15527G>A (NM_001371280.1); c.583G>A (NM_022912.2); short protein forms A168T, A195T, A202T.
Identifiers: ClinVar variation 1015146 (VCV001015146.9), dbSNP rs757800031, ClinGen allele CA1748686.